The following is an entry in ClinVar:

NM_022089.4(ATP13A2):c.3152_3156dup (p.Leu1053fs)

Gene: ATP13A2 (ATPase cation transporting 13A2; minus strand). Cytogenetic location: 1p36.13.
Variant type: Duplication.
Coding change: c.3152_3156dup on transcript NM_022089.4 (MANE Select); coding-DNA positions 3152 to 3156, 5 bases duplicated (TCTCT; older notation c.3152_3156dupTCTCT).
Protein change: p.Leu1053fs; shifts the reading frame from leucine 1053.
Molecular consequence: frameshift variant.
Genome position (GRCh38, 1-based): chr1:16,986,884-16,986,888, AGAGA duplicated on the plus strand (TCTCT on the coding strand, the reverse complement: ATP13A2 is on the minus strand); duplicating any 5 consecutive bases within chr1:16,986,884-16,986,891 gives the same sequence; the c. name uses the placement nearest the transcript's 3' end. VCF-style (leftmost placement, unchanged base first): chr1-16986883-G-GAGAGA. GRCh37 (hg19) VCF-style: chr1-17313378-G-GAGAGA.
Other names: c.3137_3141dup, p.Leu1048fs (NM_001141973.3); c.3020_3024dup, p.Leu1009fs (NM_001141974.3); short protein forms L1009fs, L1053fs, L1048fs.
Identifiers: ClinVar variation 4785424 (VCV004785424.1).

ClinVar aggregate classification (germline): Pathogenic (1 of 4 stars; one submission).

Conditions:
Autosomal recessive spastic paraplegia type 78. Identifiers: Orphanet 513436, MedGen C5567893, MONDO:0014975, OMIM 617225.
Kufor-Rakeb syndrome (KRS). Also called: PARKINSON DISEASE 9, AUTOSOMAL RECESSIVE, JUVENILE-ONSET. Identifiers: Orphanet 306674, Orphanet 314632, MedGen C1847640, MONDO:0011706, OMIM 606693.

Submission:

Labcorp Genetics (formerly Invitae), Labcorp
Classification: Pathogenic for Kufor-Rakeb syndrome; Autosomal recessive spastic paraplegia type 78. Last evaluated: 2025-09-24. Review status: criteria provided, single submitter. Criteria: Invitae Variant Classification Sherloc (09022015). Collection method: clinical testing. Allele origin: germline.
Comment: This sequence change creates a premature translational stop signal (p.Leu1053Serfs*38) in the ATP13A2 gene. It is expected to result in an absent or disrupted protein product. Loss-of-function variants in ATP13A2 are known to be pathogenic (PMID: 16964263, 21696388). This variant is not present in population databases (gnomAD no frequency). This variant has not been reported in the literature in individuals affected with ATP13A2-related conditions. Algorithms developed to predict the effect of sequence changes on RNA splicing suggest that this variant may create or strengthen a splice site. For these reasons, this variant has been classified as Pathogenic.

Literature cited by the submitters: PubMed 16964263; PubMed 21696388.